The following is an entry in ClinVar:

NM_001371986.1(UNC80):c.4482A>G (p.Glu1494=)

Gene: UNC80 (unc-80 subunit of NALCN channel complex; plus strand). Cytogenetic location: 2q34.
Variant type: single nucleotide variant.
Coding change: c.4482A>G on transcript NM_001371986.1 (MANE Select); coding-DNA position 4482, A replaced by G.
Protein change: p.Glu1494=; no amino-acid change (glutamic acid 1494 retained).
Molecular consequence: synonymous variant.
Genome position (GRCh38, 1-based): chr2:209,896,314, A>G. VCF-style: chr2-209896314-A-G. GRCh37 (hg19) VCF-style: chr2-210761038-A-G.
Other names: c.4284A>G, p.Glu1428= (NM_032504.2); c.4269A>G, p.Glu1423= (NM_182587.4).
Identifiers: ClinVar variation 2745461 (VCV002745461.3), dbSNP rs2471089583, ClinGen allele CA431096787.
Genomic context (GRCh38, chr2:209,896,314, plus strand): 5'-CAACATGCTCTCCAGGGAGACCGAACACTGAAACCTTTCTTGGTATTTTTCTTTTGAAGA[A>G]GGGAGTCCTTGGAGTGCAAGCGAGCCCAGCATTGAGCCAGAGGGAATGAGTAATGCCGGC-3'
Protein context (NP_001358915.1, residues 1484-1504): SQSRDTVTDL[Glu1494=]GSPWSASEPS

ClinVar aggregate classification (germline): Uncertain significance (1 of 4 stars; one submission).

Submission:

Labcorp Genetics (formerly Invitae), Labcorp
Classification: Uncertain significance. Last evaluated: 2023-07-20. Review status: criteria provided, single submitter. Criteria: Invitae Variant Classification Sherloc (09022015). Collection method: clinical testing. Allele origin: germline.
Comment: This variant has not been reported in the literature in individuals affected with UNC80-related conditions. In summary, the available evidence is currently insufficient to determine the role of this variant in disease. Therefore, it has been classified as a Variant of Uncertain Significance. Algorithms developed to predict the effect of sequence changes on RNA splicing suggest that this variant may disrupt the consensus splice site. This variant is not present in population databases (gnomAD no frequency). This sequence change affects codon 1428 of the UNC80 mRNA. It is a 'silent' change, meaning that it does not change the encoded amino acid sequence of the UNC80 protein.